The following is an entry in ClinVar:

NM_001204.7(BMPR2):c.248-2A>G

Gene: BMPR2 (bone morphogenetic protein receptor type 2; plus strand). Cytogenetic location: 2q33.1.
Variant type: single nucleotide variant.
Coding change: c.248-2A>G on transcript NM_001204.7 (MANE Select); the canonical splice acceptor site of the intron before coding-DNA position 248, A replaced by G.
Molecular consequence: splice acceptor variant.
Genome position (GRCh38, 1-based): chr2:202,467,517, A>G. VCF-style: chr2-202467517-A-G. GRCh37 (hg19) VCF-style: chr2-203332240-A-G.
Identifiers: ClinVar variation 425737 (VCV000425737.13), dbSNP rs1085307193, ClinGen allele CA350399499.

ClinVar aggregate classification (germline): Likely pathogenic. Review status: criteria provided, single submitter (1 of 4 stars). 2 submissions from 2 submitters: Likely pathogenic (1). 1 of the submissions does not count toward it. Last evaluated 2024-10-26.

Conditions:
Pulmonary hypertension, primary, 1 (PPH1). Also called: Pulmonary hypertension, familial primary, 1, with or without HHT. Identifiers: Orphanet 422, MedGen C4552070, MONDO:0024533, OMIM 178600.
Primary pulmonary hypertension. Also called: Idiopathic pulmonary hypertension. Identifiers: MedGen C0152171.

Submissions (3):

Labcorp Genetics (formerly Invitae), Labcorp
Classification: Likely pathogenic for Primary pulmonary hypertension. Last evaluated: 2024-10-26. Review status: criteria provided, single submitter. Criteria: Invitae Variant Classification Sherloc (09022015). Collection method: clinical testing. Allele origin: germline.
Comment: This sequence change affects an acceptor splice site in intron 2 of the BMPR2 gene. It is expected to disrupt RNA splicing. Variants that disrupt the donor or acceptor splice site typically lead to a loss of protein function (PMID: 16199547), and loss-of-function variants in BMPR2 are known to be pathogenic (PMID: 16429395). This variant is not present in population databases (gnomAD no frequency). Disruption of this splice site has been observed in individual(s) with pulmonary arterial hypertension (PMID: 19555857). ClinVar contains an entry for this variant (Variation ID: 425737). Algorithms developed to predict the effect of sequence changes on RNA splicing suggest that this variant may disrupt the consensus splice site. In summary, the currently available evidence indicates that the variant is pathogenic, but additional data are needed to prove that conclusively. Therefore, this variant has been classified as Likely Pathogenic.

Dr. Peter K. Rogan Lab, Western University
No classification provided (evidence only). Condition: Hepatocellular carcinoma. Review status: no classification provided. Collection method: in vitro. Allele origin: not applicable. Functional consequence: retained intron. Not counted in ClinVar's aggregate classification.

Rare Disease Genomics Group, St George's University of London
Classification: Pathogenic for Primary pulmonary hypertension. Review status: no assertion criteria provided. Collection method: literature only. Allele origin: germline. Affected: yes. Not counted in ClinVar's aggregate classification.

Literature cited by the submitters: PubMed 16199547 (cited by Labcorp Genetics (formerly Invitae), Labcorp); PubMed 16429395 (cited by Labcorp Genetics (formerly Invitae), Labcorp); PubMed 19555857 (cited by Labcorp Genetics (formerly Invitae), Labcorp and Rare Disease Genomics Group, St George's University of London).